The following is an entry in ClinVar:

NM_007129.5(ZIC2):c.858C>A (p.His286Gln)

Gene: ZIC2 (Zic family zinc finger 2; plus strand). Cytogenetic location: 13q32.3.
Variant type: single nucleotide variant.
Coding change: c.858C>A on transcript NM_007129.5 (MANE Select); coding-DNA position 858, C replaced by A.
Protein change: p.His286Gln; replaces histidine 286 with glutamine.
Molecular consequence: missense variant.
Genome position (GRCh38, 1-based): chr13:99,982,922, C>A. VCF-style: chr13-99982922-C-A. GRCh37 (hg19) VCF-style: chr13-100635176-C-A.
Other names: short protein forms H286Q.
Identifiers: ClinVar variation 4887938 (VCV004887938.1).
Genomic context (GRCh38, chr13:99,982,922, plus strand): 5'-GAGCAATCCCAAGAAGAGCTGCAACAAAACTTTCAGCACCATGCACGAGCTGGTGACACA[C>A]GTCTCGGTGGAGCACGTCGGCGGCCCGGAGCAGAGCAACCACGTCTGCTTCTGGGAGGAG-3'
Protein context (NP_009060.2, residues 276-296): TFSTMHELVT[His286Gln]VSVEHVGGPE

ClinVar aggregate classification (germline): Pathogenic (1 of 4 stars; one submission).

Submission:

GeneDx
Classification: Pathogenic. Last evaluated: 2026-01-31. Review status: criteria provided, single submitter. Criteria: GeneDx Variant Classification Process June 2021. Collection method: clinical testing. Allele origin: germline.
Comment: Not observed at significant frequency in large population cohorts (gnomAD); In silico analysis supports that this missense variant has a deleterious effect on protein structure/function; This variant is associated with the following publications: (PMID: 29992659, 30197418)